The following is an entry in ClinVar:

ClinVar aggregate classification (germline): Uncertain significance. Review status: criteria provided, multiple submitters, no conflicts (2 of 4 stars). 3 submissions from 3 submitters: Uncertain significance (3). Last evaluated 2025-07-07.

Conditions:
Cystic fibrosis (CF). Also called: MUCOVISCIDOSIS. Identifiers: Orphanet 586, MedGen C0010674, MONDO:0009061, OMIM 219700. Disease mechanism: loss of function.

Allele frequency attached by ClinVar (database versions not stated): gnomAD exomes 0.00001; TOPMed 0.00001; gnomAD 0.00001.
gnomAD v4.1: 11 of 1,593,014 alleles (0.00069%); highest among the groups gnomAD compares: Non-Finnish European, 0.00095%; no homozygotes.

Submissions (3):

Labcorp Genetics (formerly Invitae), Labcorp
Classification: Uncertain significance for Cystic fibrosis. Last evaluated: 2025-07-07. Review status: criteria provided, single submitter. Criteria: Invitae Variant Classification Sherloc (09022015). Collection method: clinical testing. Allele origin: germline.
Comment: This sequence change replaces asparagine, which is neutral and polar, with histidine, which is basic and polar, at codon 48 of the CFTR protein (p.Asn48His). This variant is not present in population databases (gnomAD no frequency). This variant has not been reported in the literature in individuals affected with CFTR-related conditions. ClinVar contains an entry for this variant (Variation ID: 1408121). Invitae Evidence Modeling of protein sequence and biophysical properties (such as structural, functional, and spatial information, amino acid conservation, physicochemical variation, residue mobility, and thermodynamic stability) indicates that this missense variant is not expected to disrupt CFTR protein function with a negative predictive value of 80%. In summary, the available evidence is currently insufficient to determine the role of this variant in disease. Therefore, it has been classified as a Variant of Uncertain Significance.

Ambry Genetics
Classification: Uncertain significance for Cystic fibrosis. Last evaluated: 2023-02-27. Review status: criteria provided, single submitter. Criteria: Ambry Variant Classification Scheme 2023. Collection method: clinical testing. Allele origin: germline.
Comment: The p.N48H variant (also known as c.142A>C), located in coding exon 2 of the CFTR gene, results from an A to C substitution at nucleotide position 142. The asparagine at codon 48 is replaced by histidine, an amino acid with similar properties. This amino acid position is well conserved in available vertebrate species. In addition, this alteration is predicted to be tolerated by in silico analysis. Since supporting evidence is limited at this time, the clinical significance of this alteration remains unclear.

Women's Health and Genetics/Laboratory Corporation of America, LabCorp
Classification: Uncertain significance. Last evaluated: 2022-11-04. Review status: criteria provided, single submitter. Criteria: LabCorp Variant Classification Summary - May 2015. Collection method: clinical testing. Allele origin: germline.
Comment: Variant summary: CFTR c.142A>C (p.Asn48His) results in a conservative amino acid change in the encoded protein sequence. Two of three in-silico tools predict a benign effect of the variant on protein function. The variant was absent in 250700 control chromosomes. The available data on variant occurrences in the general population are insufficient to allow any conclusion about variant significance. To our knowledge, no occurrence of c.142A>C in individuals affected with Chronic Pancreatitis Risk and no experimental evidence demonstrating its impact on protein function have been reported. One clinical diagnostic laboratory has submitted clinical-significance assessments for this variant to ClinVar after 2014 without evidence for independent evaluation. One laboratory classified the variant as uncertain significance. Based on the evidence outlined above, the variant was classified as uncertain significance.

NM_000492.4(CFTR):c.142A>C (p.Asn48His)

Gene: CFTR (CF transmembrane conductance regulator; plus strand). Cytogenetic location: 7q31.2.
Variant type: single nucleotide variant.
Coding change: c.142A>C on transcript NM_000492.4 (MANE Select); coding-DNA position 142, A replaced by C.
Protein change: p.Asn48His; replaces asparagine 48 with histidine.
Molecular consequence: missense variant.
Genome position (GRCh38, 1-based): chr7:117,504,341, A>C. VCF-style: chr7-117504341-A-C. GRCh37 (hg19) VCF-style: chr7-117144395-A-C.
Other names: short protein forms N48H.
Identifiers: ClinVar variation 1408121 (VCV001408121.9), dbSNP rs1248202161, ClinGen allele CA368987414.